The following is an entry in ClinVar:

ClinVar aggregate classification (germline): Uncertain significance (1 of 4 stars; one submission).

Allele frequency attached by ClinVar (database versions not stated): TOPMed below 0.00001; ExAC 0.00001; gnomAD 0.00001; gnomAD exomes 0.00002.
gnomAD v4.1: 31 of 1,613,212 alleles (0.0019%); highest among the groups gnomAD compares: Middle Eastern, 0.017%; no homozygotes.

Submission:

Labcorp Genetics (formerly Invitae), Labcorp
Classification: Uncertain significance. Last evaluated: 2023-03-31. Review status: criteria provided, single submitter. Criteria: Invitae Variant Classification Sherloc (09022015). Collection method: clinical testing. Allele origin: germline.
Comment: In summary, the available evidence is currently insufficient to determine the role of this variant in disease. Therefore, it has been classified as a Variant of Uncertain Significance. Advanced modeling of protein sequence and biophysical properties (such as structural, functional, and spatial information, amino acid conservation, physicochemical variation, residue mobility, and thermodynamic stability) performed at Invitae indicates that this missense variant is not expected to disrupt SRP54 protein function. This variant has not been reported in the literature in individuals affected with SRP54-related conditions. This variant is present in population databases (rs748554500, gnomAD 0.002%). This sequence change replaces isoleucine, which is neutral and non-polar, with valine, which is neutral and non-polar, at codon 217 of the SRP54 protein (p.Ile217Val).

NM_003136.4(SRP54):c.649A>G (p.Ile217Val)

Gene: SRP54 (signal recognition particle 54; plus strand). Cytogenetic location: 14q13.2.
Variant type: single nucleotide variant.
Coding change: c.649A>G on transcript NM_003136.4 (MANE Select); coding-DNA position 649, A replaced by G.
Protein change: p.Ile217Val; replaces isoleucine 217 with valine.
Molecular consequence: missense variant.
Genome position (GRCh38, 1-based): chr14:35,013,358, A>G. VCF-style: chr14-35013358-A-G. GRCh37 (hg19) VCF-style: chr14-35482564-A-G.
Other names: c.502A>G, p.Ile168Val (NM_001146282.2); c.649A>G, p.Ile217Val (NM_001411017.1); short protein forms I217V, I168V.
Identifiers: ClinVar variation 2909524 (VCV002909524.3), dbSNP rs748554500, ClinGen allele CA7153657.
Genomic context (GRCh38, chr14:35,013,358, plus strand): 5'-ATCAATAAAAATCTTTTCTAAAGTATCTTTTCTATTTAAACTTTCTAGCAACCTGATAAC[A>G]TTGTTTATGTGATGGATGCCTCCATTGGGCAGGCTTGTGAAGCCCAGGCTAAGGCTTTTA-3'
Protein context (NP_003127.1, residues 207-227): QVANAIQPDN[Ile217Val]VYVMDASIGQ